The following is an entry in ClinVar:

NM_004595.5(SMS):c.58G>A (p.Glu20Lys)

Gene: SMS (spermine synthase; plus strand). Cytogenetic location: Xp22.11.
Variant type: single nucleotide variant.
Coding change: c.58G>A on transcript NM_004595.5 (MANE Select); coding-DNA position 58, G replaced by A.
Protein change: p.Glu20Lys; replaces glutamic acid 20 with lysine.
Molecular consequence: missense variant.
Genome position (GRCh38, 1-based): chrX:21,967,204, G>A. VCF-style: chrX-21967204-G-A. GRCh37 (hg19) VCF-style: chrX-21985322-G-A.
Other names: c.58G>A, p.Glu20Lys (NM_001258423.2); short protein forms E20K.
Identifiers: ClinVar variation 4795308 (VCV004795308.1).

ClinVar aggregate classification (germline): Uncertain significance (1 of 4 stars; one submission).

Submission:

GeneDx
Classification: Uncertain significance. Last evaluated: 2025-08-14. Review status: criteria provided, single submitter. Criteria: GeneDx Variant Classification Process June 2021. Collection method: clinical testing. Allele origin: germline. Affected: yes.
Comment: Not observed at significant frequency in large population cohorts (gnomAD); In silico analysis suggests that this missense variant does not alter protein structure/function; Has not been previously published as pathogenic or benign to our knowledge